The following is an entry in ClinVar:

NM_001267550.2(TTN):c.58105A>G (p.Lys19369Glu)

Genes: TTN (titin; minus strand), TTN-AS1 (TTN antisense RNA 1; plus strand). Cytogenetic location: 2q31.2.
Variant type: single nucleotide variant.
Coding change: c.58105A>G on transcript NM_001267550.2 (MANE Select); coding-DNA position 58105, A replaced by G.
Protein change: p.Lys19369Glu; replaces lysine 19369 with glutamic acid.
Molecular consequence: missense variant.
Genome position (GRCh38, 1-based): chr2:178,594,389, T>C on the plus strand (A>G on the coding strand, the complement: TTN is on the minus strand). VCF-style: chr2-178594389-T-C. GRCh37 (hg19) VCF-style: chr2-179459116-T-C.
Other names: c.53182A>G, p.Lys17728Glu (NM_001256850.1); c.30910A>G, p.Lys10304Glu (NM_003319.4); c.50401A>G, p.Lys16801Glu (NM_133378.4); c.31285A>G, p.Lys10429Glu (NM_133432.3); c.31486A>G, p.Lys10496Glu (NM_133437.4); short protein forms K17728E, K19369E, K16801E, K10304E, K10429E, K10496E.
Identifiers: ClinVar variation 283955 (VCV000283955.6), dbSNP rs759447234, ClinGen allele CA10604640.
Genomic context (GRCh38, chr2:178,594,389, plus strand): 5'-GTAGTAGACACATACCCAGCTCATCCTTGCAAGTAATTGGTTTGGTGCAAAATGATGGTT[T>C]GCCTTGTCCAACAATGTTGACAGCACTGACACGGTACTCATAGGTATCACCTTCTTTTAA-3'
Protein context (NP_001254479.2, residues 19359-19379): VSAVNIVGQG[Lys19369Glu]PSFCTKPITC

ClinVar aggregate classification (germline): Uncertain significance. Review status: criteria provided, multiple submitters, no conflicts (2 of 4 stars). 2 submissions from 2 submitters: Uncertain significance (2). Last evaluated 2022-06-06.

Conditions:
Dilated cardiomyopathy 1G (CMD1G). Identifiers: Orphanet 154, MedGen C1858763, MONDO:0011400, OMIM 604145.

Allele frequency attached by ClinVar (database versions not stated): TOPMed 0.00002; gnomAD 0.00001; gnomAD exomes 0.00001.
gnomAD v4.1: 23 of 1,603,264 alleles (0.0014%); highest among the groups gnomAD compares: Admixed American, 0.0017%; no homozygotes.

Submissions (2):

Laboratorio de Genetica e Diagnostico Molecular, Hospital Israelita Albert Einstein
Classification: Uncertain significance for Dilated cardiomyopathy 1G. Last evaluated: 2022-06-06. Review status: criteria provided, single submitter. Criteria: ACMG Guidelines, 2015. Collection method: clinical testing. Allele origin: germline. Affected: yes. Observed: 1 variant allele.
Comment: ACMG classification criteria: PM2 moderated, BP4 supporting

Eurofins Ntd Llc (ga)
Classification: Uncertain significance. Last evaluated: 2015-10-06. Review status: criteria provided, single submitter. Criteria: EGL Classification Definitions 2015. Collection method: clinical testing. Allele origin: germline. Observed: 1 variant allele, 1 heterozygote.